The following is an entry in ClinVar:

ClinVar aggregate classification (germline): Uncertain significance. Review status: criteria provided, multiple submitters, no conflicts (2 of 4 stars). 2 submissions from 2 submitters: Uncertain significance (2). Last evaluated 2025-07-22.

Conditions:
Hemorrhage, intracerebral, susceptibility to (ICH). Also called: Stroke, hemorrhagic, susceptibility to. Identifiers: MedGen C3281105, MONDO:0100533, OMIM 614519.
Brain small vessel disease 2A, autosomal dominant. Also called: Porencephaly 2. Identifiers: Orphanet 2940, Orphanet 99810, MedGen C3280970, MONDO:0013773, OMIM 614483.

gnomAD v4.1: 7 of 1,614,128 alleles (0.00043%); highest among the groups gnomAD compares: African/African-American, 0.0013%; no homozygotes.

Submissions (3):

GeneDx
Classification: Uncertain significance. Last evaluated: 2025-07-22. Review status: criteria provided, single submitter. Criteria: GeneDx Variant Classification Process June 2021. Collection method: clinical testing. Allele origin: germline. Affected: yes.
Comment: In silico analysis supports that this missense variant has a deleterious effect on protein structure/function; Has not been previously published as pathogenic or benign to our knowledge

Juno Genomics, Hangzhou Juno Genomics, Inc
Classification: Uncertain significance for Hemorrhage, intracerebral, susceptibility to; Brain small vessel disease 2A, autosomal dominant. Review status: criteria provided, single submitter. Criteria: ACMG Guidelines, 2015. Collection method: clinical testing. Allele origin: germline.
Comment: Absent from controls (or at extremely low frequency if recessive) in Genome Aggregation Database.;Multiple lines of computational evidence support a deleterious effect on the gene or gene product.

Dr. Peter K. Rogan Lab, Western University
No classification provided (evidence only). Condition: Melanoma. Review status: no classification provided. Collection method: in vitro. Allele origin: not applicable. Functional consequence: retained intron. Not counted in ClinVar's aggregate classification.

NM_001846.4(COL4A2):c.4795G>A (p.Ala1599Thr)

Genes: COL4A2 (collagen type IV alpha 2 chain; plus strand), COL4A2-AS1 (COL4A2 antisense RNA 1; minus strand). Cytogenetic location: 13q34.
Variant type: single nucleotide variant.
Coding change: c.4795G>A on transcript NM_001846.4 (MANE Select); coding-DNA position 4795, G replaced by A.
Protein change: p.Ala1599Thr; replaces alanine 1599 with threonine.
Molecular consequence: missense variant. On other transcripts: non-coding transcript variant (1).
Genome position (GRCh38, 1-based): chr13:110,508,135, G>A. VCF-style: chr13-110508135-G-A. GRCh37 (hg19) VCF-style: chr13-111160482-G-A.
Other names: NC_000013.10:g.111160482G>A; c.4795G>A (NM_001846.2); short protein forms A1599T.
Identifiers: ClinVar variation 4390709 (VCV004390709.4).
Genomic context (GRCh38, chr13:110,508,135, plus strand): 5'-GCCGAGGACGAGATCAAGCCCTACATCAGCCGCTGTTCTGTGTGTGAGGCCCCGGCCATC[G>A]CCATCGCGGTCCACAGTCAGGATGTCTCCATCCCACACTGCCCAGCTGGGTGGCGGAGTT-3'
Protein context (NP_001837.2, residues 1589-1609): RCSVCEAPAI[Ala1599Thr]IAVHSQDVSI